The following is an entry in ClinVar:

NM_001323289.2(CDKL5):c.463G>A (p.Gly155Ser)

Gene: CDKL5 (cyclin dependent kinase like 5; plus strand). Cytogenetic location: Xp22.13.
Variant type: single nucleotide variant.
Coding change: c.463G>A on transcript NM_001323289.2 (MANE Select); coding-DNA position 463, G replaced by A.
Protein change: p.Gly155Ser; replaces glycine 155 with serine.
Molecular consequence: missense variant.
Genome position (GRCh38, 1-based): chrX:18,581,950, G>A. VCF-style: chrX-18581950-G-A. GRCh37 (hg19) VCF-style: chrX-18600070-G-A.
Other names: c.463G>A, p.Gly155Ser (NM_001037343.2, NM_003159.3); short protein forms G155S.
Identifiers: ClinVar variation 2126431 (VCV002126431.4), dbSNP rs2518851425, ClinGen allele CA412351255.
Genomic context (GRCh38, chrX:18,581,950, plus strand): 5'-GATATAAAACCAGAAAATCTCTTAATCAGCCACAATGATGTCCTAAAACTGTGTGACTTT[G>A]GTAAGTTAAAAAGAAATTAAGTCCTGGTACTTACAGAATTAATTTATTGTAACACATAGG-3'
Protein context (NP_001310218.1, residues 145-165): HNDVLKLCDF[Gly155Ser]FARNLSEGNN

ClinVar aggregate classification (germline): Pathogenic (1 of 4 stars; one submission).

Conditions:
Developmental and epileptic encephalopathy, 2 (DEE2). Also called: INFANTILE SPASM SYNDROME, X-LINKED 2; CDKL5 deficiency disorder. Identifiers: Orphanet 1934, Orphanet 3451, Orphanet 505652, MedGen C4750718, MONDO:0010396, OMIM 300672.
Angelman syndrome-like. Identifiers: MedGen CN128785.

Submission:

Labcorp Genetics (formerly Invitae), Labcorp
Classification: Pathogenic for Developmental and epileptic encephalopathy, 2; Angelman syndrome-like. Last evaluated: 2022-05-25. Review status: criteria provided, single submitter. Criteria: Invitae Variant Classification Sherloc (09022015). Collection method: clinical testing. Allele origin: germline.
Comment: For these reasons, this variant has been classified as Pathogenic. Variants that disrupt the consensus splice site are a relatively common cause of aberrant splicing (PMID: 17576681, 9536098). Algorithms developed to predict the effect of sequence changes on RNA splicing suggest that this variant may disrupt the consensus splice site. Algorithms developed to predict the effect of missense changes on protein structure and function are either unavailable or do not agree on the potential impact of this missense change (SIFT: "Deleterious"; PolyPhen-2: "Probably Damaging"; Align-GVGD: "Class C0"). This missense change has been observed in individual(s) with CDKL5-related conditions (Invitae). In at least one individual the variant was observed to be de novo. This variant is not present in population databases (gnomAD no frequency). This sequence change replaces glycine, which is neutral and non-polar, with serine, which is neutral and polar, at codon 155 of the CDKL5 protein (p.Gly155Ser). This variant also falls at the last nucleotide of exon 7, which is part of the consensus splice site for this exon.

Literature cited by the submitters: PubMed 17576681; PubMed 9536098.